The following is an entry in ClinVar:

NM_000145.4(FSHR):c.1771T>C (p.Phe591Leu)

Gene: FSHR (follicle stimulating hormone receptor; minus strand). Cytogenetic location: 2p16.3.
Variant type: single nucleotide variant.
Coding change: c.1771T>C on transcript NM_000145.4 (MANE Select); coding-DNA position 1771, T replaced by C.
Protein change: p.Phe591Leu; replaces phenylalanine 591 with leucine.
Molecular consequence: missense variant.
Genome position (GRCh38, 1-based): chr2:48,963,050, A>G on the plus strand (T>C on the coding strand, the complement: FSHR is on the minus strand). VCF-style: chr2-48963050-A-G. GRCh37 (hg19) VCF-style: chr2-49190189-A-G.
Other names: c.1693T>C, p.Phe565Leu (NM_181446.3); short protein forms F565L, F591L.
Identifiers: ClinVar variation 4071580 (VCV004071580.1).

ClinVar aggregate classification (germline): Uncertain significance (1 of 4 stars; one submission).

gnomAD v4.1: 2 of 1,614,082 alleles (0.00012%); highest among the groups gnomAD compares: Non-Finnish European, 0.00017%; no homozygotes.

Submission:

GeneDx
Classification: Uncertain significance. Last evaluated: 2025-01-28. Review status: criteria provided, single submitter. Criteria: GeneDx Variant Classification Process June 2021. Collection method: clinical testing. Allele origin: germline. Affected: yes.
Comment: Identified with a second FSHR variant in a patient with primary amenorrhea and resistant ovary syndrome in published literature (PMID: 33036707); In silico analysis supports that this missense variant has a deleterious effect on protein structure/function; This variant is associated with the following publications: (PMID: 33036707)